The following is an entry in ClinVar:

NM_007194.4(CHEK2):c.974A>C (p.Lys325Thr)

Gene: CHEK2 (checkpoint kinase 2; minus strand). Cytogenetic location: 22q12.1.
Variant type: single nucleotide variant.
Coding change: c.974A>C on transcript NM_007194.4 (MANE Select); coding-DNA position 974, A replaced by C.
Protein change: p.Lys325Thr; replaces lysine 325 with threonine.
Molecular consequence: missense variant.
Genome position (GRCh38, 1-based): chr22:28,699,872, T>G on the plus strand (A>C on the coding strand, the complement: CHEK2 is on the minus strand). VCF-style: chr22-28699872-T-G. GRCh37 (hg19) VCF-style: chr22-29095860-T-G.
Other names: c.1103A>C, p.Lys368Thr (NM_001005735.3); c.311A>C, p.Lys104Thr (NM_001257387.3); c.773A>C, p.Lys258Thr (NM_001349956.3); c.974A>C, p.Lys325Thr (NM_145862.3); short protein forms K258T, K368T, K104T, K325T.
Identifiers: ClinVar variation 2843436 (VCV002843436.3), dbSNP rs767656411, ClinGen allele CA411099666.

ClinVar aggregate classification (germline): Uncertain significance (1 of 4 stars; one submission).

Conditions:
Familial cancer of breast. Also called: hereditary breast carcinoma; BREAST CANCER, FAMILIAL; Hereditary breast cancer. Identifiers: Orphanet 227535, MedGen C0346153, MONDO:0016419, OMIM 114480. Disease mechanism: loss of function.

Submission:

Labcorp Genetics (formerly Invitae), Labcorp
Classification: Uncertain significance for Familial cancer of breast. Last evaluated: 2023-10-27. Review status: criteria provided, single submitter. Criteria: Invitae Variant Classification Sherloc (09022015). Collection method: clinical testing. Allele origin: germline.
Comment: This sequence change replaces lysine, which is basic and polar, with threonine, which is neutral and polar, at codon 325 of the CHEK2 protein (p.Lys325Thr). This variant is not present in population databases (gnomAD no frequency). This variant has not been reported in the literature in individuals affected with CHEK2-related conditions. An algorithm developed to predict the effect of missense changes on protein structure and function (PolyPhen-2) suggests that this variant is likely to be disruptive. In summary, the available evidence is currently insufficient to determine the role of this variant in disease. Therefore, it has been classified as a Variant of Uncertain Significance.